The following is an entry in ClinVar:

ClinVar aggregate classification (germline): Uncertain significance. Review status: criteria provided, multiple submitters, no conflicts (2 of 4 stars). 2 submissions from 2 submitters: Uncertain significance (2). Last evaluated 2026-07-01.

Conditions:
Inborn genetic diseases. Identifiers: MedGen C0950123, MeSH D030342.

Submissions (2):

Ambry Genetics
Classification: Uncertain significance for Inborn genetic diseases. Last evaluated: 2026-07-01. Review status: criteria provided, single submitter. Criteria: Ambry Variant Classification Scheme 2023. Collection method: clinical testing. Allele origin: germline.
Comment: The p.H167Q variant (also known as c.501T>A), located in coding exon 3 of the ERCC6L2 gene, results from a T to A substitution at nucleotide position 501. The histidine at codon 167 is replaced by glutamine, an amino acid with highly similar properties. This amino acid position is conserved. In addition, this alteration is predicted to be tolerated by in silico analysis. Based on the available evidence, the clinical significance of this variant remains unclear.

Labcorp Genetics (formerly Invitae), Labcorp
Classification: Uncertain significance. Last evaluated: 2025-05-14. Review status: criteria provided, single submitter. Criteria: Invitae Variant Classification Sherloc (09022015). Collection method: clinical testing. Allele origin: germline.
Comment: This sequence change replaces histidine, which is basic and polar, with glutamine, which is neutral and polar, at codon 178 of the ERCC6L2 protein (p.His178Gln). This variant is not present in population databases (gnomAD no frequency). This variant has not been reported in the literature in individuals affected with ERCC6L2-related conditions. Experimental studies and prediction algorithms are not available or were not evaluated, and the functional significance of this variant is currently unknown. In summary, the available evidence is currently insufficient to determine the role of this variant in disease. Therefore, it has been classified as a Variant of Uncertain Significance.

NM_020207.7(ERCC6L2):c.501T>A (p.His167Gln)

Gene: ERCC6L2 (ERCC excision repair 6 like 2; plus strand). Cytogenetic location: 9q22.32.
Variant type: single nucleotide variant.
Coding change: c.501T>A on transcript NM_020207.7 (MANE Select); coding-DNA position 501, T replaced by A.
Protein change: p.His167Gln; replaces histidine 167 with glutamine.
Molecular consequence: missense variant. On other transcripts: non-coding transcript variant (1).
Genome position (GRCh38, 1-based): chr9:95,897,878, T>A. VCF-style: chr9-95897878-T-A. GRCh37 (hg19) VCF-style: chr9-98660160-T-A.
Other names: c.501T>A, p.His167Gln (NM_001010895.4, NM_001375291.1, NM_001375292.1 and 2 more transcripts); short protein forms H167Q.
Identifiers: ClinVar variation 4804489 (VCV004804489.2).